The following is an entry in ClinVar:

NM_000492.4(CFTR):c.3464G>A (p.Ser1155Asn)

Genes: CFTR (CF transmembrane conductance regulator; plus strand), CFTR-AS2 (CFTR antisense RNA 2; minus strand). Cytogenetic location: 7q31.2.
Variant type: single nucleotide variant.
Coding change: c.3464G>A on transcript NM_000492.4 (MANE Select); coding-DNA position 3464, G replaced by A.
Protein change: p.Ser1155Asn; replaces serine 1155 with asparagine.
Molecular consequence: missense variant.
Genome position (GRCh38, 1-based): chr7:117,614,709, G>A. VCF-style: chr7-117614709-G-A. GRCh37 (hg19) VCF-style: chr7-117254763-G-A.
Other names: short protein forms S1155N.
Identifiers: ClinVar variation 3266634 (VCV003266634.1).

ClinVar aggregate classification (germline): Uncertain significance (1 of 4 stars; one submission).

Conditions:
Cystic fibrosis (CF). Also called: MUCOVISCIDOSIS. Identifiers: Orphanet 586, MedGen C0010674, MONDO:0009061, OMIM 219700. Disease mechanism: loss of function.

Submission:

Ambry Genetics
Classification: Uncertain significance for Cystic fibrosis. Last evaluated: 2024-06-05. Review status: criteria provided, single submitter. Criteria: Ambry Variant Classification Scheme 2023. Collection method: clinical testing. Allele origin: germline.
Comment: The p.S1155N variant (also known as c.3464G>A), located in coding exon 21 of the CFTR gene, results from a G to A substitution at nucleotide position 3464. The serine at codon 1155 is replaced by asparagine, an amino acid with highly similar properties. This amino acid position is conserved. In addition, the in silico prediction for this alteration is inconclusive. Based on the available evidence, the clinical significance of this variant remains unclear.